The following is an entry in ClinVar:

NM_004260.4(RECQL4):c.2650C>G (p.Gln884Glu)

Gene: RECQL4 (RecQ like helicase 4; minus strand). Cytogenetic location: 8q24.3.
Variant type: single nucleotide variant.
Coding change: c.2650C>G on transcript NM_004260.4 (MANE Select); coding-DNA position 2650, C replaced by G.
Protein change: p.Gln884Glu; replaces glutamine 884 with glutamic acid.
Molecular consequence: missense variant. On other transcripts: non-coding transcript variant (3).
Genome position (GRCh38, 1-based): chr8:144,512,952, G>C on the plus strand (C>G on the coding strand, the complement: RECQL4 is on the minus strand). VCF-style: chr8-144512952-G-C. GRCh37 (hg19) VCF-style: chr8-145738335-G-C.
Other names: c.2356C>G, p.Gln786Glu (NM_001413017.1); c.2452C>G, p.Gln818Glu (NM_001413018.1); c.2650C>G, p.Gln884Glu (NM_001413019.1, NM_001413036.1); c.2554C>G, p.Gln852Glu (NM_001413020.1); c.1579C>G, p.Gln527Glu (NM_001413021.1, NM_001413022.1, NM_001413023.1 and 5 more transcripts); c.2521C>G, p.Gln841Glu (NM_001413025.1); c.1513C>G, p.Gln505Glu (NM_001413027.1, NM_001413030.1, NM_001413032.1 and 1 more transcripts); c.2299C>G, p.Gln767Glu (NM_001413029.1); and 6 more; short protein forms Q527E, Q786E, Q818E, Q840E, Q874E, Q505E, Q395E, Q517E.
Identifiers: ClinVar variation 3016210 (VCV003016210.3), dbSNP rs1391654044, ClinGen allele CA372675647.

ClinVar aggregate classification (germline): Uncertain significance (1 of 4 stars; one submission).

Conditions:
Baller-Gerold syndrome (BGS). Also called: CRANIOSYNOSTOSIS WITH RADIAL DEFECTS. Identifiers: Orphanet 1225, MedGen C0265308, MONDO:0009039, OMIM 218600.

Submission:

Labcorp Genetics (formerly Invitae), Labcorp
Classification: Uncertain significance for Baller-Gerold syndrome. Last evaluated: 2023-03-14. Review status: criteria provided, single submitter. Criteria: Invitae Variant Classification Sherloc (09022015). Collection method: clinical testing. Allele origin: germline.
Comment: This variant has not been reported in the literature in individuals affected with RECQL4-related conditions. Advanced modeling of protein sequence and biophysical properties (such as structural, functional, and spatial information, amino acid conservation, physicochemical variation, residue mobility, and thermodynamic stability) performed at Invitae indicates that this missense variant is not expected to disrupt RECQL4 protein function. In summary, the available evidence is currently insufficient to determine the role of this variant in disease. Therefore, it has been classified as a Variant of Uncertain Significance. This variant is not present in population databases (gnomAD no frequency). This sequence change replaces glutamine, which is neutral and polar, with glutamic acid, which is acidic and polar, at codon 884 of the RECQL4 protein (p.Gln884Glu).